The following is an entry in ClinVar:

NM_004004.6(GJB2):c.72G>C (p.Trp24Cys)

Gene: GJB2 (gap junction protein beta 2; minus strand). Cytogenetic location: 13q12.11.
Variant type: single nucleotide variant.
Coding change: c.72G>C on transcript NM_004004.6 (MANE Select); coding-DNA position 72, G replaced by C.
Protein change: p.Trp24Cys; replaces tryptophan 24 with cysteine.
Molecular consequence: missense variant.
Genome position (GRCh38, 1-based): chr13:20,189,510, C>G on the plus strand (G>C on the coding strand, the complement: GJB2 is on the minus strand). VCF-style: chr13-20189510-C-G. GRCh37 (hg19) VCF-style: chr13-20763649-C-G.
Other names: short protein forms W24C.
Identifiers: ClinVar variation 3601150 (VCV003601150.1).

ClinVar aggregate classification (germline): Likely pathogenic (1 of 4 stars; one submission).

Conditions:
Autosomal recessive nonsyndromic hearing loss 1A (DFNB1A). Also called: GJB6-Related DFNB 1 Nonsyndromic Hearing Loss and Deafness; Nonsyndromic Hearing Loss and Deafness, DFNB1; GJB2-Related Autosomal Recessive Nonsyndromic Hearing Loss; Deafness, autosomal recessive 1A; Connexin 26 deafness; Deafness nonsyndromic, Connexin 26 linked. Identifiers: Orphanet 90636, MedGen C2673759, MONDO:0009076, OMIM 220290.

Submission:

Institute of Rare Diseases, West China Hospital, Sichuan University
Classification: Likely pathogenic for Autosomal recessive nonsyndromic hearing loss 1A. Last evaluated: 2025-01-09. Review status: criteria provided, single submitter. Criteria: ClinGen HL ACMG Specifications v1. Collection method: research. Allele origin: germline. Affected: yes.
Comment: PM3;PM5;PM2_Supporting;PP3